The following is an entry in ClinVar:

NM_004523.4(KIF11):c.2905A>G (p.Lys969Glu)

Gene: KIF11 (kinesin family member 11; plus strand). Cytogenetic location: 10q23.33.
Variant type: single nucleotide variant.
Coding change: c.2905A>G on transcript NM_004523.4 (MANE Select); coding-DNA position 2905, A replaced by G.
Protein change: p.Lys969Glu; replaces lysine 969 with glutamic acid.
Molecular consequence: missense variant.
Genome position (GRCh38, 1-based): chr10:92,649,969, A>G. VCF-style: chr10-92649969-A-G. GRCh37 (hg19) VCF-style: chr10-94409726-A-G.
Other names: c.2905A>G (NM_004523.3); short protein forms K969E.
Identifiers: ClinVar variation 1356271 (VCV001356271.9), dbSNP rs2135925718, ClinGen allele CA377806190.
Genomic context (GRCh38, chr10:92,649,969, plus strand): 5'-GATCAGCTGAAAAGGAAACAGCCTGAGCTGTTAATGATGCTAAACTGTTCAGAAAACAAC[A>G]AAGAAGAGACAATTCCGGTAAATTTAAAGGATCATATTTTATAATAGAACTCTTTTATGA-3'
Protein context (NP_004514.2, residues 959-979): LMMLNCSENN[Lys969Glu]EETIPDVDVE

ClinVar aggregate classification (germline): Uncertain significance. Review status: criteria provided, multiple submitters, no conflicts (2 of 4 stars). 2 submissions from 2 submitters: Uncertain significance (2). Last evaluated 2025-03-19.

Conditions:
Inborn genetic diseases. Identifiers: MedGen C0950123, MeSH D030342.

Allele frequency attached by ClinVar (database versions not stated): gnomAD exomes below 0.00001.
gnomAD v4.1: 1 of 1,611,092 alleles (0.000062%); highest among the groups gnomAD compares: Non-Finnish European, 0.000085%; no homozygotes.

Submissions (2):

Ambry Genetics
Classification: Uncertain significance for Inborn genetic diseases. Last evaluated: 2025-03-19. Review status: criteria provided, single submitter. Criteria: Ambry Variant Classification Scheme 2023. Collection method: clinical testing. Allele origin: germline.

Labcorp Genetics (formerly Invitae), Labcorp
Classification: Uncertain significance. Last evaluated: 2022-06-27. Review status: criteria provided, single submitter. Criteria: Invitae Variant Classification Sherloc (09022015). Collection method: clinical testing. Allele origin: germline.
Comment: This sequence change replaces lysine, which is basic and polar, with glutamic acid, which is acidic and polar, at codon 969 of the KIF11 protein (p.Lys969Glu). This variant is not present in population databases (gnomAD no frequency). This variant has not been reported in the literature in individuals affected with KIF11-related conditions. Algorithms developed to predict the effect of missense changes on protein structure and function (SIFT, PolyPhen-2, Align-GVGD) all suggest that this variant is likely to be tolerated. In summary, the available evidence is currently insufficient to determine the role of this variant in disease. Therefore, it has been classified as a Variant of Uncertain Significance.